The following is an entry in ClinVar:

ClinVar aggregate classification (germline): Benign. Review status: criteria provided, multiple submitters, no conflicts (2 of 4 stars). 2 submissions from 2 submitters: Benign (2). Last evaluated 2018-01-13.

Conditions:
Autosomal dominant Parkinson disease 8. Also called: Parkinson disease 8, susceptibility to; LRRK2-Related Parkinson Disease; Parkinson disease 8. Identifiers: Orphanet 411602, MedGen C1846862, MONDO:0011764, OMIM 607060.

Allele frequency attached by ClinVar (database versions not stated): TOPMed 0.59731; 1000 Genomes Project 0.55132; 1000 Genomes Project 30x 0.55059; gnomAD 0.61499 and 0.61691; gnomAD exomes 0.65226.
gnomAD v4.1: 105,258 of 169,954 alleles (62%); highest among the groups gnomAD compares: Non-Finnish European, 67%; 32,946 homozygotes.

Submissions (2):

Illumina Laboratory Services, Illumina
Classification: Benign for Autosomal dominant Parkinson disease 8. Last evaluated: 2018-01-13. Review status: criteria provided, single submitter. Criteria: ICSL Variant Classification Criteria 13 December 2019. Collection method: clinical testing. Allele origin: germline.
Comment: This variant was observed in the ICSL laboratory as part of a predisposition screen in an ostensibly healthy population. It had not been previously curated by ICSL or reported in the Human Gene Mutation Database (HGMD: prior to June 1st, 2018), and was therefore a candidate for classification through an automated scoring system. Utilizing variant allele frequency, disease prevalence and penetrance estimates, and inheritance mode, an automated score was calculated to assess if this variant is too frequent to cause the disease. Based on the score and internal cut-off values, a variant classified as benign is not then subjected to further curation. The score for this variant resulted in a classification of benign for this disease.

Breakthrough Genomics
Classification: Benign. Review status: criteria provided, single submitter. Criteria: ACMG Guidelines, 2015. Collection method: not provided. Allele origin: germline. Inheritance: Autosomal dominant inheritance. Affected: yes.

NM_198578.4(LRRK2):c.*364A>C

Gene: LRRK2 (leucine rich repeat kinase 2; plus strand). Cytogenetic location: 12q12.
Variant type: single nucleotide variant.
Coding change: c.*364A>C on transcript NM_198578.4 (MANE Select); 364 bases downstream of the stop codon, A replaced by C.
Molecular consequence: 3 prime UTR variant.
Genome position (GRCh38, 1-based): chr12:40,368,129, A>C. VCF-style: chr12-40368129-A-C. GRCh37 (hg19) VCF-style: chr12-40761931-A-C.
Identifiers: ClinVar variation 308656 (VCV000308656.6), dbSNP rs10878441, ClinGen allele CA10632697.
Genomic context (GRCh38, chr12:40,368,129, plus strand): 5'-CGATAATTTTTTGTTTTCTTGTCTGTAATGGAGGTAAACTTTATTTTAAATTCTGTGCTT[A>C]AGACAGGACTATTGCTTGTCGATTTTTCTAGAAATCTGCACGGTATAATGAAAATATTAA-3'